The following is an entry in ClinVar:

ClinVar aggregate classification (germline): Likely benign (1 of 4 stars; one submission).

Conditions:
MFN2-related disorder. Also called: MFN2-related condition; MFN2-related disorders.

gnomAD v4.1: 1 of 1,613,380 alleles (0.000062%); highest among the groups gnomAD compares: Non-Finnish European, 0.000085%; no homozygotes.

Submission:

PreventionGenetics, part of Exact Sciences
Classification: Likely benign for MFN2-related condition. Last evaluated: 2024-12-03. Review status: criteria provided, single submitter. Criteria: ACMG Guidelines, 2015. Collection method: clinical testing. Allele origin: germline.
Comment: This variant is classified as likely benign based on ACMG/AMP sequence variant interpretation guidelines (Richards et al. 2015 PMID: 25741868, with internal and published modifications).

NM_014874.4(MFN2):c.1873-3C>T

Gene: MFN2 (mitofusin 2; plus strand). Cytogenetic location: 1p36.22.
Variant type: single nucleotide variant.
Coding change: c.1873-3C>T on transcript NM_014874.4 (MANE Select); 3 bases into the intron before coding-DNA position 1873, C replaced by T.
Molecular consequence: intron variant.
Genome position (GRCh38, 1-based): chr1:12,007,050, C>T. VCF-style: chr1-12007050-C-T. GRCh37 (hg19) VCF-style: chr1-12067107-C-T.
Other names: c.1873-3C>T (NM_001127660.2).
Identifiers: ClinVar variation 4979848 (VCV004979848.1).